The following is an entry in ClinVar:

NM_001134407.3(GRIN2A):c.3482G>C (p.Gly1161Ala)

Gene: GRIN2A (glutamate ionotropic receptor NMDA type subunit 2A; minus strand). Cytogenetic location: 16p13.2.
Variant type: single nucleotide variant.
Coding change: c.3482G>C on transcript NM_001134407.3 (MANE Select); coding-DNA position 3482, G replaced by C.
Protein change: p.Gly1161Ala; replaces glycine 1161 with alanine.
Molecular consequence: missense variant.
Genome position (GRCh38, 1-based): chr16:9,764,062, C>G on the plus strand (G>C on the coding strand, the complement: GRIN2A is on the minus strand). VCF-style: chr16-9764062-C-G. GRCh37 (hg19) VCF-style: chr16-9857919-C-G.
Other names: c.3482G>C, p.Gly1161Ala (NM_000833.5, NM_001134408.2); short protein forms G1161A.
Identifiers: ClinVar variation 1000650 (VCV001000650.9), dbSNP rs1900740837, ClinGen allele CA394707581.

ClinVar aggregate classification (germline): Uncertain significance (1 of 4 stars; one submission).

Conditions:
Landau-Kleffner syndrome (FESD). Also called: APHASIA, ACQUIRED, WITH EPILEPSY; EPILEPSY, FOCAL, WITH SPEECH DISORDER AND WITH OR WITHOUT MENTAL RETARDATION. Identifiers: Orphanet 1945, Orphanet 725, Orphanet 98818, MedGen C0282512, MONDO:0009509, OMIM 245570.

Allele frequency attached by ClinVar (database versions not stated): gnomAD exomes below 0.00001.
gnomAD v4.1: 3 of 1,613,700 alleles (0.00019%); highest among the groups gnomAD compares: Middle Eastern, 0.016%; no homozygotes.

Submission:

Labcorp Genetics (formerly Invitae), Labcorp
Classification: Uncertain significance for Landau-Kleffner syndrome. Last evaluated: 2020-07-29. Review status: criteria provided, single submitter. Criteria: Invitae Variant Classification Sherloc (09022015). Collection method: clinical testing. Allele origin: germline.
Comment: In summary, the available evidence is currently insufficient to determine the role of this variant in disease. Therefore, it has been classified as a Variant of Uncertain Significance. Advanced modeling of protein sequence and biophysical properties (such as structural, functional, and spatial information, amino acid conservation, physicochemical variation, residue mobility, and thermodynamic stability) performed at Invitae indicates that this missense variant is not expected to disrupt GRIN2A protein function. This variant has not been reported in the literature in individuals with GRIN2A-related conditions. This variant is not present in population databases (ExAC no frequency). This sequence change replaces glycine with alanine at codon 1161 of the GRIN2A protein (p.Gly1161Ala). The glycine residue is weakly conserved and there is a small physicochemical difference between glycine and alanine.